The following is an entry in ClinVar:

ClinVar aggregate classification (germline): Likely pathogenic (1 of 4 stars; one submission).

Conditions:
Dilated cardiomyopathy 1S (CMD1S). Identifiers: Orphanet 154, Orphanet 54260, MedGen C1834481, MONDO:0013262, OMIM 613426.

Submission:

Laboratory of Medical Genetics, National & Kapodistrian University of Athens
Classification: Likely pathogenic for Dilated cardiomyopathy 1S. Last evaluated: 2021-10-01. Review status: criteria provided, single submitter. Criteria: ACMG Guidelines, 2015. Collection method: clinical testing. Allele origin: unknown. Affected: yes.
Comment: PM1, PM2, PP2, PP3

Literature cited by the submitters: PubMed 34008892.

NM_000257.4(MYH7):c.514C>G (p.Gln172Glu)

Gene: MYH7 (myosin heavy chain 7; minus strand). Cytogenetic location: 14q11.2.
Variant type: single nucleotide variant.
Coding change: c.514C>G on transcript NM_000257.4 (MANE Select); coding-DNA position 514, C replaced by G.
Protein change: p.Gln172Glu; replaces glutamine 172 with glutamic acid.
Molecular consequence: missense variant.
Genome position (GRCh38, 1-based): chr14:23,432,495, G>C on the plus strand (C>G on the coding strand, the complement: MYH7 is on the minus strand). VCF-style: chr14-23432495-G-C. GRCh37 (hg19) VCF-style: chr14-23901704-G-C.
Other names: short protein forms Q172E.
Identifiers: ClinVar variation 1299521 (VCV001299521.1), dbSNP rs2138683978, ClinGen allele CA389052649.